The following is an entry in ClinVar:

ClinVar aggregate classification (germline): Conflicting classifications of pathogenicity. Review status: criteria provided, conflicting classifications (1 of 4 stars). 13 submissions from 13 submitters: Uncertain significance (4); Benign (1); Likely benign (5). 3 of the submissions do not count toward it. Last evaluated 2026-03-25.

Conditions:
ATM-related disorder. Also called: ATM-related disorders; ATM-related condition.
Ataxia-telangiectasia syndrome (AT). Also called: Cerebello-oculocutaneous telangiectasia; Immunodeficiency with ataxia telangiectasia; Ataxia-telangiectasia; LOUIS-BAR SYNDROME; Ataxia telangiectasia (A-T); Ataxia-telangiectasia, complementation group D. Identifiers: Orphanet 100, MedGen C0004135, MONDO:0008840, OMIM 208900.
Malignant tumor of breast. Also called: Malignant breast neoplasm; Cancer breast. Identifiers: MedGen C0006142, MONDO:0007254. Disease mechanism: loss of function.
Familial cancer of breast. Also called: hereditary breast carcinoma; Hereditary breast cancer; BREAST CANCER, FAMILIAL. Identifiers: Orphanet 227535, MedGen C0346153, MONDO:0016419, OMIM 114480. Disease mechanism: loss of function.
Hereditary cancer-predisposing syndrome. Also called: Tumor predisposition; Hereditary neoplastic syndrome; Neoplastic Syndromes, Hereditary; Hereditary Cancer Syndrome. Identifiers: Orphanet 140162, MedGen C0027672, MeSH D009386, MONDO:0015356.

Allele frequency attached by ClinVar (database versions not stated): ExAC 0.00002; TOPMed 0.00003; gnomAD exomes 0.00004 and 0.00005; gnomAD 0.00005.
gnomAD v4.1: 78 of 1,613,722 alleles (0.0048%); highest among the groups gnomAD compares: Non-Finnish European, 0.0058%; no homozygotes.

Submissions (13):

Women's Health and Genetics/Laboratory Corporation of America, LabCorp
Classification: Likely benign. Last evaluated: 2026-03-25. Review status: criteria provided, single submitter. Criteria: LabCorp Variant Classification Summary - May 2015. Collection method: clinical testing. Allele origin: germline.
Comment: Variant summary: ATM c.2919A>G (p.Leu973Leu) alters a nucleotide located close to a canonical splice site and therefore could affect mRNA splicing, leading to a significantly altered protein sequence. Several computational tools predict a significant impact on normal splicing: One predict the variant abolishes a 5' splicing donor site. Two predict the variant weakens a 5' donor site. However, these predictions have yet to be confirmed by functional studies. The variant allele was found at a frequency of 3.6e-05 in 251358 control chromosomes. The available data on variant occurrences in the general population are insufficient to allow any conclusion about variant significance. Although reported as a VUS in settings of multigene panel testing for Inherited cancers (Kraus_2016, Okawa_2023), to our knowledge, no occurrence of c.2919A>G in individuals affected with ATM-related conditions and no experimental evidence demonstrating its impact on protein function have been reported. The following publications have been ascertained in the context of this evaluation (PMID: 27616075, 36243179). ClinVar contains an entry for this variant (Variation ID: 127361). Based on the evidence outlined above, the variant was classified as likely benign.

Labcorp Genetics (formerly Invitae), Labcorp
Classification: Likely benign for Ataxia-telangiectasia syndrome. Last evaluated: 2026-02-03. Review status: criteria provided, single submitter. Criteria: Invitae Variant Classification Sherloc (09022015). Collection method: clinical testing. Allele origin: germline.

Athena Diagnostics
Classification: Uncertain significance. Last evaluated: 2024-07-31. Review status: criteria provided, single submitter. Criteria: Athena Diagnostics Criteria. Collection method: clinical testing. Allele origin: unknown.
Comment: Available data are insufficient to determine the clinical significance of the variant at this time. The frequency of this variant in the general population is uninformative in assessment of its pathogenicity. Computational tools yielded predictions that this variant may interfere with normal RNA splicing.

Quest Diagnostics Nichols Institute San Juan Capistrano
Classification: Uncertain significance. Last evaluated: 2024-05-14. Review status: criteria provided, single submitter. Criteria: Quest Diagnostics criteria. Collection method: clinical testing. Allele origin: unknown.

Myriad Genetics, Inc.
Classification: Benign for Familial cancer of breast. Last evaluated: 2024-05-10. Review status: criteria provided, single submitter. Criteria: Myriad Autosomal Dominant, Autosomal Recessive and X-Linked Classification Criteria (2023). Collection method: clinical testing. Allele origin: unknown.
Comment: This variant is considered benign. This variant is a silent/synonymous amino acid change and it is not expected to impact splicing.

ARUP Laboratories, Molecular Genetics and Genomics, ARUP Laboratories
Classification: Uncertain significance. Last evaluated: 2024-02-14. Review status: criteria provided, single submitter. Criteria: ARUP Molecular Germline Variant Investigation Process 2024. Collection method: clinical testing. Allele origin: germline.
Comment: The ATM c.2919A>G; p.Leu973= variant (rs587779829) is reported in an individual with a personal and family history of breast cancer (Kraus 2017), but the variant was not determined to be causative. This variant is also reported in ClinVar (Variation ID: 127361). It is observed in the general population with an overall allele frequency of 0.004% (12/282730 alleles) in the Genome Aggregation Database (v2.1.1). This is a synonymous variant and computational analyses (Alamut Visual Plus v.1.5.1) predict that this variant may impact splicing by weakening the nearby canonical donor splice site. Due to limited information, the clinical significance of this variant is uncertain at this time. References: Kraus C et al. Gene panel sequencing in familial breast/ovarian cancer patients identifies multiple novel mutations also in genes others than BRCA1/2. Int J Cancer. 2017 Jan 1;140(1):95-102. PMID: 27616075.

Blueprint Genetics
Classification: Likely benign. Last evaluated: 2022-07-11. Review status: criteria provided, single submitter. Criteria: ACMG Guidelines, 2015. Collection method: clinical testing. Allele origin: germline.

GeneDx
Classification: Uncertain significance. Last evaluated: 2021-06-14. Review status: criteria provided, single submitter. Criteria: GeneDx Variant Classification Process June 2021. Collection method: clinical testing. Allele origin: germline. Affected: yes.
Comment: Not observed at significant frequency in large population cohorts (Lek 2016); In-silico analysis, which includes splice predictors and evolutionary conservation, is inconclusive as to whether the variant alters gene splicing. In the absence of RNA/functional studies, the actual effect of this sequence change is unknown.; Observed in individuals with personal and/or family history of breast cancer, but also in healthy controls (Decker 2017, Kraus 2017, Tiao 2017); This variant is associated with the following publications: (PMID: 27616075, 28779002, 28652578, 27535533)

Color Diagnostics, LLC DBA Color Health
Classification: Likely benign for Hereditary cancer-predisposing syndrome. Last evaluated: 2017-06-22. Review status: criteria provided, single submitter. Criteria: ACMG Guidelines, 2015. Collection method: clinical testing. Allele origin: germline.

Ambry Genetics
Classification: Likely benign for Hereditary cancer-predisposing syndrome. Last evaluated: 2016-03-15. Review status: criteria provided, single submitter. Criteria: Ambry Variant Classification Scheme 2023. Collection method: clinical testing. Allele origin: germline.

PreventionGenetics, part of Exact Sciences
Classification: Likely benign for ATM-related condition. Last evaluated: 2019-12-24. Review status: no assertion criteria provided. Collection method: clinical testing. Allele origin: germline. Not counted in ClinVar's aggregate classification.
Comment: This variant is classified as likely benign based on ACMG/AMP sequence variant interpretation guidelines (Richards et al. 2015 PMID: 25741868, with internal and published modifications).

Counsyl
Classification: Likely benign for Ataxia-telangiectasia syndrome. Last evaluated: 2017-04-06. Review status: no assertion criteria provided. Collection method: clinical testing. Allele origin: unknown. Not counted in ClinVar's aggregate classification.

Department of Pathology and Laboratory Medicine, Sinai Health System
Classification: Uncertain significance for Malignant tumor of breast. Review status: no assertion criteria provided. Collection method: clinical testing. Allele origin: unknown. Affected: yes. Study: The Canadian Open Genetics Repository (COGR). Not counted in ClinVar's aggregate classification.
Comment: The ATM p.Leu973= variant was not identified in the literature nor was it identified in the Cosmic, MutDB, LOVD 3.0, databases. The variant was identified in the following databases: dbSNP (ID: rs587779829) as With â€šÃ„ÃºUncertain significance alleleâ€šÃ„Ã¹, ClinVar (reported 3x, as likely benign by Ambry Genetics, Invitae and uncertain significance by GeneDx), Clinvitae (reported 3x). The variant was identified in control databases in 11 of 277110 chromosomes at a frequency of 0.00004 (Genome Aggregation Database Feb 27, 2017). Breakdown of the observations by population include African in 2 of 24014 chromosomes (freq: 0.00008), European Non-Finnish in 7 of 126668 chromosomes (freq: 0.000055), and South Asian in 2 of 30778 chromosomes (freq: 0.000065). while the variant was not observed in the Other, Latino, Ashkenazi Jewish, East Asian, European Finnish, populations. The p.Leu973= variant is not expected to have clinical significance because it does not result in a change of amino acid and is not located in a known consensus splice site. In summary, based on the above information the clinical significance of this variant cannot be determined with certainty at this time. This variant is classified as a variant of uncertain significance.

Literature cited by the submitters: PubMed 27616075 (cited by Women's Health and Genetics/Laboratory Corporation of America, LabCorp); PubMed 36243179 (cited by Women's Health and Genetics/Laboratory Corporation of America, LabCorp).

NM_000051.4(ATM):c.2919A>G (p.Leu973=)

Gene: ATM (ATM serine/threonine kinase; plus strand). Cytogenetic location: 11q22.3.
Variant type: single nucleotide variant.
Coding change: c.2919A>G on transcript NM_000051.4 (MANE Select); coding-DNA position 2919, A replaced by G.
Protein change: p.Leu973=; no amino-acid change (leucine 973 retained).
Molecular consequence: synonymous variant.
Genome position (GRCh38, 1-based): chr11:108,271,144, A>G. VCF-style: chr11-108271144-A-G. GRCh37 (hg19) VCF-style: chr11-108141871-A-G.
Other names: p.L973L:CTA>CTG; c.2919A>G, p.Leu973= (NM_001351834.2).
Identifiers: ClinVar variation 127361 (VCV000127361.34), dbSNP rs587779829, ClinGen allele CA286785.